The following is an entry in ClinVar:

NM_001378615.1(CC2D2A):c.3021G>A (p.Leu1007=)

Genes: CC2D2A (coiled-coil and C2 domain containing 2A; plus strand), FBXL5 (F-box and leucine rich repeat protein 5; minus strand). Cytogenetic location: 4p15.32.
Variant type: single nucleotide variant.
Coding change: c.3021G>A on transcript NM_001378615.1 (MANE Select); coding-DNA position 3021, G replaced by A.
Protein change: p.Leu1007=; no amino-acid change (leucine 1007 retained).
Molecular consequence: synonymous variant.
Genome position (GRCh38, 1-based): chr4:15,563,361, G>A. VCF-style: chr4-15563361-G-A. GRCh37 (hg19) VCF-style: chr4-15564984-G-A.
Other names: c.3021G>A, p.Leu1007= (NM_001080522.2); c.2874G>A, p.Leu958= (NM_001378617.1).
Identifiers: ClinVar variation 1802100 (VCV001802100.1), dbSNP rs1342872302, ClinGen allele CA438383082.

ClinVar aggregate classification (germline): Uncertain significance (1 of 4 stars; one submission).

Submission:

GeneDx
Classification: Uncertain significance. Last evaluated: 2022-05-31. Review status: criteria provided, single submitter. Criteria: GeneDx Variant Classification Process June 2021. Collection method: clinical testing. Allele origin: germline. Affected: yes.
Comment: Has not been previously published as pathogenic or benign to our knowledge; In-silico analysis is inconclusive as to whether the variant alters gene splicing. In the absence of RNA/functional studies, the actual effect of this sequence change is unknown.